The following is an entry in ClinVar:

ClinVar aggregate classification (germline): Pathogenic (1 of 4 stars; one submission).

Submission:

Quest Diagnostics Nichols Institute San Juan Capistrano
Classification: Pathogenic. Last evaluated: 2024-07-29. Review status: criteria provided, single submitter. Criteria: ACMG/ClinGen CNV Guidelines, 2019. Collection method: clinical testing. Allele origin: unknown.
Comment: This loss involves at least 24 protein-coding genes, including GATA4 (OMIM 600576). Haploinsufficiency of GATA4 is associated with autosomal dominant congenital heart defects: atrial septal defect 2 (OMIM 607941), atrioventricular septal defect 4 (OMIM 614430), Tetralogy of Fallot (OMIM 187500), and ventricular septal defect 1 (OMIM 614429) (CCID:007190; Keitges 2013). Additionally, deletions of cytobands 8p23 and 8p22 have been reported in literature (Gajjar 2023, Zeng 2023, Zhang 2022). There are no similar copy number losses of this region in the general populations of the Database of Genomic Variants. Thus, based on current medical literature, this copy number variant (CNV) is classified as pathogenic. References: Gajjar et al., Reprod Fertil. 2023 Mar 1;4(2):e220092. PMID: 36961397 Keitges et al., Am J Med Genet A. 2013 Jul;161A(7):1755-8. PMID: 23696316 Rehm et al., N Engl J Med. 2015 Jun 4;372(23):2235-42. PMID: 26014595 Zeng et al., Heliyon. 2023 Aug 1;9(8):e18868. PMID: 37593615 Zhang et al., Reprod Sci. 2022 Oct;29(10):2927-2936. PMID: 35578104

GRCh37/hg19 8p23.1-22(chr8:11266131-16489491)x1

Genes: BLK (BLK proto-oncogene, Src family tyrosine kinase), C8orf48 (chromosome 8 open reading frame 48; plus strand), CTSB (cathepsin B), DEFB130A (defensin beta 130A), DEFB134 (defensin beta 134) and 17 more. Cytogenetic location: 8p23.1-22.
Variant type: copy number loss.
Change: copy number 1 (one copy instead of two) of chr8:11,266,131-16,489,491 (5.22 Mb, GRCh37 coordinates, 1-based), cytogenetic band 8p23.1-22.
Identifiers: ClinVar variation 4682715 (VCV004682715.1).